The following is an entry in ClinVar:

ClinVar aggregate classification (germline): Likely pathogenic. Review status: criteria provided, multiple submitters, no conflicts (2 of 4 stars). 6 submissions from 6 submitters: Likely pathogenic (6). Last evaluated 2026-01-12.

Conditions:
Citrullinemia. Identifiers: Orphanet 187, MedGen C0175683, MONDO:0015991.
Citrullinemia type I (CTNL1). Also called: ASS DEFICIENCY; argininosuccinate synthetase deficiency. Identifiers: Orphanet 247525, MedGen C4721769, MONDO:0008988, OMIM 215700.
ASS1-related disorder. Also called: ASS1-related condition.

Allele frequency attached by ClinVar (database versions not stated): TOPMed 0.00002; gnomAD exomes 0.00003 and 0.00005; ExAC 0.00007.
gnomAD v4.1: 54 of 1,613,908 alleles (0.0033%); highest among the groups gnomAD compares: East Asian, 0.0045%; no homozygotes.

Submissions (6):

Labcorp Genetics (formerly Invitae), Labcorp
Classification: Likely pathogenic for Citrullinemia. Last evaluated: 2026-01-12. Review status: criteria provided, single submitter. Criteria: Invitae Variant Classification Sherloc (09022015). Collection method: clinical testing. Allele origin: germline.
Comment: This sequence change replaces arginine, which is basic and polar, with glutamine, which is neutral and polar, at codon 304 of the ASS1 protein (p.Arg304Gln). This variant is present in population databases (rs771640767, gnomAD 0.009%). This missense change has been observed in individual(s) with citrullinemia type I (internal data). ClinVar contains an entry for this variant (Variation ID: 970822). Invitae Evidence Modeling of protein sequence and biophysical properties (such as structural, functional, and spatial information, amino acid conservation, physicochemical variation, residue mobility, and thermodynamic stability) indicates that this missense variant is not expected to disrupt ASS1 protein function with a negative predictive value of 80%. This variant disrupts the p.Arg304 amino acid residue in ASS1. Other variant(s) that disrupt this residue have been determined to be pathogenic (PMID: 7977368, 12815590, 23246278, 28302489). This suggests that this residue is clinically significant, and that variants that disrupt this residue are likely to be disease-causing. In summary, the currently available evidence indicates that the variant is pathogenic, but additional data are needed to prove that conclusively. Therefore, this variant has been classified as Likely Pathogenic.

Natera, Inc.
Classification: Likely pathogenic for Citrullinemia type I. Last evaluated: 2025-09-23. Review status: criteria provided, single submitter. Criteria: Natera Variant Classification Schema (03/2026). Collection method: clinical testing. Allele origin: germline.
Comment: The c.911G>A variant in ASS1 is a missense variant predicted to cause substitution of arginine to glutamine at amino acid 304. This variant is rare in the general population with a frequency below the threshold expected for the associated phenotype(s). This variant has been observed in one or more individuals affected with the associated recessive disease, as either homozygous or compound heterozygous with a second variant (PMID: 30030962). A different variant at the same position has been determined to be Pathogenic or Likely Pathogenic. Computational prediction algorithms indicate this variant is likely to affect gene or protein function. Given the available evidence, this variant is classified as Likely Pathogenic.

PreventionGenetics, part of Exact Sciences
Classification: Likely pathogenic for ASS1-related condition. Last evaluated: 2025-04-30. Review status: criteria provided, single submitter. Criteria: ACMG Guidelines, 2015. Collection method: clinical testing. Allele origin: germline.
Comment: The ASS1 c.911G>A variant is predicted to result in the amino acid substitution p.Arg304Gln. To our knowledge, this variant has not been reported in the literature; however, an alternate amino acid change at this position (p.Arg304Trp) has been reported in multiple patients with citrullinemia and shown to impair function (Gao et al. 2003. PubMed ID: 12815590; referred to as c.910C>T in Suppl. Figure 3D in Zielonka. 2019. PubMed ID: 31469252). In ClinVar, it is interpreted as likely pathogenic and uncertain and has been detected as compound heterozygous with a pathogenic variant in a patient with citrullinemia by another lab (per communication with Invitae). This variant is reported in 0.0085% of alleles in individuals of European (Non-Finnish) descent in gnomAD. This variant is interpreted as likely pathogenic.

Blueprint Genetics
Classification: Likely pathogenic for ASS1-related disorders. Last evaluated: 2024-09-06. Review status: criteria provided, single submitter. Criteria: ACMG Guidelines, 2015. Collection method: clinical testing. Allele origin: germline. Affected: yes. Observed: 5 variant alleles.

Fulgent Genetics
Classification: Likely pathogenic for Citrullinemia type I. Last evaluated: 2024-05-23. Review status: criteria provided, single submitter. Criteria: ACMG Guidelines, 2015. Collection method: clinical testing. Allele origin: germline.

Kariminejad - Najmabadi Pathology & Genetics Center
Classification: Likely pathogenic for Citrullinemia type I. Review status: criteria provided, single submitter. Criteria: ACMG Guidelines, 2015. Collection method: clinical testing. Allele origin: germline. Affected: no.

Literature cited by the submitters: PubMed 7977368 (cited by Labcorp Genetics (formerly Invitae), Labcorp); PubMed 12815590 (cited by Labcorp Genetics (formerly Invitae), Labcorp); PubMed 23246278 (cited by Labcorp Genetics (formerly Invitae), Labcorp); PubMed 28302489 (cited by Labcorp Genetics (formerly Invitae), Labcorp); PubMed 30030962 (cited by Natera, Inc.).

NM_054012.4(ASS1):c.911G>A (p.Arg304Gln)

Gene: ASS1 (argininosuccinate synthase 1; plus strand). Cytogenetic location: 9q34.11.
Variant type: single nucleotide variant.
Coding change: c.911G>A on transcript NM_054012.4 (MANE Select); coding-DNA position 911, G replaced by A.
Protein change: p.Arg304Gln; replaces arginine 304 with glutamine.
Molecular consequence: missense variant.
Genome position (GRCh38, 1-based): chr9:130,489,405, G>A. VCF-style: chr9-130489405-G-A. GRCh37 (hg19) VCF-style: chr9-133364792-G-A.
Other names: c.911G>A, p.Arg304Gln (NM_000050.4); short protein forms R304Q.
Identifiers: ClinVar variation 970822 (VCV000970822.18), dbSNP rs771640767, ClinGen allele CA5283570.
Genomic context (GRCh38, chr9:130,489,405, plus strand): 5'-CCCCAGCAGGCACCATCCTTTACCATGCTCATTTAGACATCGAGGCCTTCACCATGGACC[G>A]GGAAGTGCGCAAAATCAAACAAGGCCTGGGCTTGAAATTTGCTGAGCTGGTGTATACCGG-3'
Protein context (NP_446464.1, residues 294-314): HLDIEAFTMD[Arg304Gln]EVRKIKQGLG